The following is an entry in ClinVar:

NM_001035.3(RYR2):c.47_48del (p.Thr16fs)

Gene: RYR2 (ryanodine receptor 2; plus strand). Cytogenetic location: 1q43.
Variant type: Deletion.
Coding change: c.47_48del on transcript NM_001035.3 (MANE Select); coding-DNA positions 47 to 48, 2 bases deleted (CT; older notation c.47_48delCT).
Protein change: p.Thr16fs; shifts the reading frame from threonine 16.
Molecular consequence: frameshift variant.
Genome position (GRCh38, 1-based): chr1:237,042,568-237,042,569, CT deleted. VCF-style (leftmost placement, unchanged base first): chr1-237042567-ACT-A. GRCh37 (hg19) VCF-style: chr1-237205867-ACT-A.
Other names: short protein forms T16fs.
Identifiers: ClinVar variation 2746490 (VCV002746490.3), dbSNP rs2527004402, ClinGen allele CA2697547713.

ClinVar aggregate classification (germline): Uncertain significance (1 of 4 stars; one submission).

Conditions:
Catecholaminergic polymorphic ventricular tachycardia 1. Also called: VENTRICULAR TACHYCARDIA, STRESS-INDUCED POLYMORPHIC 1; VENTRICULAR TACHYCARDIA, CATECHOLAMINERGIC POLYMORPHIC, 1, WITH OR WITHOUT ATRIAL DYSFUNCTION AND/OR DILATED CARDIOMYOPATHY; RYR2-Related Catecholaminergic Polymorphic Ventricular Tachycardia. Identifiers: Orphanet 3286, MedGen C1631597, MONDO:0011484, OMIM 604772.

Submission:

Labcorp Genetics (formerly Invitae), Labcorp
Classification: Uncertain significance for Catecholaminergic polymorphic ventricular tachycardia 1. Last evaluated: 2023-07-25. Review status: criteria provided, single submitter. Criteria: Invitae Variant Classification Sherloc (09022015). Collection method: clinical testing. Allele origin: germline.
Comment: This variant has not been reported in the literature in individuals affected with RYR2-related conditions. This variant is not present in population databases (gnomAD no frequency). This sequence change creates a premature translational stop signal (p.Thr16Argfs*2) in the RYR2 gene. It is expected to result in an absent or disrupted protein product. However, the current clinical and genetic evidence is not sufficient to establish whether loss-of-function variants in RYR2 cause disease. Algorithms developed to predict the effect of sequence changes on RNA splicing suggest that this variant may disrupt the consensus splice site. In summary, the available evidence is currently insufficient to determine the role of this variant in disease. Therefore, it has been classified as a Variant of Uncertain Significance.